The following is an entry in ClinVar:

ClinVar aggregate classification (germline): Likely pathogenic (1 of 4 stars; one submission).

Conditions:
DICER1-related tumor predisposition. Also called: DICER1-related pleuropulmonary blastoma cancer predisposition syndrome; DICER1 syndrome. Identifiers: Orphanet 284343, MedGen C3839822, MONDO:0100216.

Submission:

Labcorp Genetics (formerly Invitae), Labcorp
Classification: Likely pathogenic for DICER1-related tumor predisposition. Last evaluated: 2022-09-28. Review status: criteria provided, single submitter. Criteria: Invitae Variant Classification Sherloc (09022015). Collection method: clinical testing. Allele origin: germline.
Comment: This sequence change affects a splice site in intron 25 of the DICER1 gene. It is expected to disrupt RNA splicing. Variants that disrupt the donor or acceptor splice site typically lead to a loss of protein function (PMID: 16199547), and loss-of-function variants in DICER1 are known to be pathogenic (PMID: 19556464, 21266384). Information on the frequency of this variant in the gnomAD database is not available, as this variant may be reported differently in the database. Disruption of this splice site has been observed in individual(s) with clinical features of DICER1-related conditions (Invitae). In summary, the currently available evidence indicates that the variant is pathogenic, but additional data are needed to prove that conclusively. Therefore, this variant has been classified as Likely Pathogenic.

Literature cited by the submitters: PubMed 16199547; PubMed 19556464; PubMed 21266384.

NM_177438.3(DICER1):c.5527+1_5527+2delinsAA

Gene: DICER1 (dicer 1, ribonuclease III; minus strand). Cytogenetic location: 14q32.13.
Variant type: Indel.
Coding change: c.5527+1_5527+2delinsAA on transcript NM_177438.3 (MANE Select); the canonical splice donor site of the intron after coding-DNA position 5527, GT replaced by AA.
Molecular consequence: splice donor variant. On other transcripts: intron variant (1).
Genome position (GRCh38, 1-based): chr14:95,091,201-95,091,202, AC replaced by TT on the plus strand (GT replaced by AA on the coding strand, the reverse complement: DICER1 is on the minus strand). VCF-style: chr14-95091201-AC-TT. GRCh37 (hg19) VCF-style: chr14-95557538-AC-TT.
Other names: c.5527+1_5527+2delinsAA (NM_001291628.2, NM_030621.4, NM_001395677.1 and 7 more transcripts); c.5122+1_5122+2delinsAA (NM_001395690.1, NM_001395687.1, NM_001395689.1 and 1 more transcripts); c.5245+1_5245+2delinsAA (NM_001395686.1); c.4960+1_4960+2delinsAA (NM_001395691.1); c.3844+1_3844+2delinsAA (NM_001395697.1); c.5365-93_5365-92delinsAA (NM_001195573.1).
Identifiers: ClinVar variation 2033264 (VCV002033264.4), dbSNP rs2542403356, ClinGen allele CA2580088989.